The following is an entry in ClinVar:

NM_000371.4(TTR):c.354C>T (p.Asn118=)

Gene: TTR (transthyretin; plus strand). Cytogenetic location: 18q12.1.
Variant type: single nucleotide variant.
Coding change: c.354C>T on transcript NM_000371.4 (MANE Select); coding-DNA position 354, C replaced by T.
Protein change: p.Asn118=; no amino-acid change (asparagine 118 retained).
Molecular consequence: synonymous variant.
Genome position (GRCh38, 1-based): chr18:31,598,585, C>T. VCF-style: chr18-31598585-C-T. GRCh37 (hg19) VCF-style: chr18-29178548-C-T.
Identifiers: ClinVar variation 166364 (VCV000166364.67), dbSNP rs11541797, ClinGen allele CA179464.

ClinVar aggregate classification (germline): Conflicting classifications of pathogenicity. Review status: criteria provided, conflicting classifications (1 of 4 stars). 11 submissions from 11 submitters: Uncertain significance (1); Benign (1); Likely benign (8). 1 of the submissions does not count toward it. Last evaluated 2025-12-17.

Conditions:
Cardiovascular phenotype. Identifiers: MedGen CN230736.
TTR-related disorder. Also called: TTR-related disorders; TTR-related condition.
Cardiomyopathy (CMYO). Also called: Cardiomyopathies. Identifiers: Orphanet 167848, MedGen C0878544, MONDO:0004994, HP:0001638. Inheritance: Various modes of inheritance.
Amyloidosis, hereditary systemic 1 (AMYLD1). Also called: Transthyretin Amyloidosis; AMYLOID CARDIOMYOPATHY; Hereditary Transthyretin Amyloidosis; Hereditary oculoleptomeningeal amyloid angiopathy; Familial Transthyretin Amyloidosis; Familial amyloid polyneuropathy. Identifiers: Orphanet 85447, Orphanet 85451, MedGen C2751492, MONDO:0971004, OMIM 105210.

Allele frequency attached by ClinVar (database versions not stated): gnomAD exomes 0.00005 and 0.00010; ExAC 0.00006; ESP Exome Variant Server 0.00008; gnomAD 0.00009 and 0.00011; TOPMed 0.00015.
gnomAD v4.1: 91 of 1,613,952 alleles (0.0056%); highest among the groups gnomAD compares: African/African-American, 0.035%; no homozygotes.

Submissions (11):

Labcorp Genetics (formerly Invitae), Labcorp
Classification: Likely benign for Amyloidosis, hereditary systemic 1. Last evaluated: 2025-12-17. Review status: criteria provided, single submitter. Criteria: Invitae Variant Classification Sherloc (09022015). Collection method: clinical testing. Allele origin: germline.

Blueprint Genetics
Classification: Likely benign. Last evaluated: 2024-10-09. Review status: criteria provided, single submitter. Criteria: ACMG Guidelines, 2015. Collection method: clinical testing. Allele origin: germline.

ARUP Laboratories, Molecular Genetics and Genomics, ARUP Laboratories
Classification: Likely benign. Last evaluated: 2024-05-28. Review status: criteria provided, single submitter. Criteria: ARUP Molecular Germline Variant Investigation Process 2024. Collection method: clinical testing. Allele origin: germline.

CHEO Genetics Diagnostic Laboratory, Children's Hospital of Eastern Ontario
Classification: Likely benign for Cardiomyopathy. Last evaluated: 2020-01-24. Review status: criteria provided, single submitter. Criteria: ACMG Guidelines, 2015. Collection method: clinical testing. Allele origin: germline. Study: Canadian Open Genetics Repository.

Illumina Laboratory Services, Illumina
Classification: Likely benign for Amyloidosis, hereditary systemic 1. Last evaluated: 2018-01-13. Review status: criteria provided, single submitter. Criteria: ICSL Variant Classification Criteria 13 December 2019. Collection method: clinical testing. Allele origin: germline.
Comment: This variant was observed in the ICSL laboratory as part of a predisposition screen in an ostensibly healthy population. It had not been previously curated by ICSL or reported in the Human Gene Mutation Database (HGMD: prior to June 1st, 2018), and was therefore a candidate for classification through an automated scoring system. Utilizing variant allele frequency, disease prevalence and penetrance estimates, and inheritance mode, an automated score was calculated to assess if this variant is too frequent to cause the disease. Based on the score and internal cut-off values, a variant classified as likely benign is not then subjected to further curation. The score for this variant resulted in a classification of likely benign for this disease.

GeneDx
Classification: Likely benign. Last evaluated: 2017-08-02. Review status: criteria provided, single submitter. Criteria: GeneDx Variant Classification (06012015). Collection method: clinical testing. Allele origin: germline. Affected: yes.
Comment: This variant is considered likely benign or benign based on one or more of the following criteria: it is a conservative change, it occurs at a poorly conserved position in the protein, it is predicted to be benign by multiple in silico algorithms, and/or has population frequency not consistent with disease.

Athena Diagnostics
Classification: Benign. Last evaluated: 2017-06-16. Review status: criteria provided, single submitter. Criteria: Athena Diagnostics Criteria. Collection method: clinical testing. Allele origin: germline.

CeGaT Center for Human Genetics Tuebingen
Classification: Uncertain significance. Last evaluated: 2016-06-01. Review status: criteria provided, single submitter. Criteria: CeGaT Center For Human Genetics Tuebingen Variant Classification Criteria Version 2. Collection method: clinical testing. Allele origin: germline. Affected: yes. Observed: 1 variant allele.

Ambry Genetics
Classification: Likely benign for Cardiovascular phenotype. Last evaluated: 2015-11-11. Review status: criteria provided, single submitter. Criteria: Ambry Variant Classification Scheme 2023. Collection method: clinical testing. Allele origin: germline.

Laboratory for Molecular Medicine, Mass General Brigham Personalized Medicine
Classification: Likely benign. Last evaluated: 2012-03-19. Review status: criteria provided, single submitter. Criteria: LMM Criteria. Collection method: clinical testing. Allele origin: germline. Observed: 1 variant allele.
Comment: Asn118Asn in exon 4 of TTR: This variant is not expected to have clinical signif icance because it does not alter an amino acid residue and is not located within the splice consensus sequence. It has been identified in 1/3738 African America n chromosomes from a broad population by the NHLBI Exome Sequencing Project.

PreventionGenetics, part of Exact Sciences
Classification: Likely benign for TTR-related condition. Last evaluated: 2024-05-05. Review status: no assertion criteria provided. Collection method: clinical testing. Allele origin: germline. Not counted in ClinVar's aggregate classification.
Comment: This variant is classified as likely benign based on ACMG/AMP sequence variant interpretation guidelines (Richards et al. 2015 PMID: 25741868, with internal and published modifications).